The following is an entry in ClinVar:

NM_001003800.2(BICD2):c.1993G>T (p.Val665Leu)

Gene: BICD2 (BICD cargo adaptor 2; minus strand). Cytogenetic location: 9q22.31.
Variant type: single nucleotide variant.
Coding change: c.1993G>T on transcript NM_001003800.2 (MANE Select); coding-DNA position 1993, G replaced by T.
Protein change: p.Val665Leu; replaces valine 665 with leucine.
Molecular consequence: missense variant.
Genome position (GRCh38, 1-based): chr9:92,718,652, C>A on the plus strand (G>T on the coding strand, the complement: BICD2 is on the minus strand). VCF-style: chr9-92718652-C-A. GRCh37 (hg19) VCF-style: chr9-95480934-C-A.
Other names: c.1993G>T, p.Val665Leu (NM_015250.4); short protein forms V665L.
Identifiers: ClinVar variation 155729 (VCV000155729.37), dbSNP rs587777885, ClinGen allele CA233053.

ClinVar aggregate classification (germline): Conflicting classifications of pathogenicity. Review status: criteria provided, conflicting classifications (1 of 4 stars). 5 submissions from 5 submitters: Uncertain significance (1); Benign (1); Likely benign (1). 2 of the submissions do not count toward it. Last evaluated 2025-05-22.

Conditions:
Charcot-Marie-Tooth disease. Also called: Charcot-Marie-Tooth Hereditary Neuropathy; Charcot-Marie-Tooth Neuropathy. Identifiers: Orphanet 166, MedGen C0007959, MONDO:0015626.
Autosomal dominant childhood-onset proximal spinal muscular atrophy with contractures (SMALED2A). Also called: Spinal muscular atrophy, lower extremity-predominant, 2A, autosomal dominant; SPINAL MUSCULAR ATROPHY, LOWER EXTREMITY-PREDOMINANT, 2A, CHILDHOOD ONSET, AUTOSOMAL DOMINANT. Identifiers: Orphanet 363447, Orphanet 363454, MedGen C4747715, MONDO:0014121, OMIM 615290.

Allele frequency attached by ClinVar (database versions not stated): TOPMed 0.00002.

Submissions (5):

Labcorp Genetics (formerly Invitae), Labcorp
Classification: Uncertain significance for Autosomal dominant childhood-onset proximal spinal muscular atrophy with contractures. Last evaluated: 2025-05-22. Review status: criteria provided, single submitter. Criteria: Invitae Variant Classification Sherloc (09022015). Collection method: clinical testing. Allele origin: germline.
Comment: This sequence change replaces valine, which is neutral and non-polar, with leucine, which is neutral and non-polar, at codon 665 of the BICD2 protein (p.Val665Leu). This variant is present in population databases (rs587777885, gnomAD 0.002%). This missense change has been observed in individual(s) with clinical features of motor neuropathy (PMID: 25802885). It has also been observed to segregate with disease in related individuals. ClinVar contains an entry for this variant (Variation ID: 155729). Invitae Evidence Modeling incorporating data from in vitro experimental studies (internal data) indicates that this missense variant is not expected to disrupt BICD2 function with a negative predictive value of 95%. In summary, the available evidence is currently insufficient to determine the role of this variant in disease. Therefore, it has been classified as a Variant of Uncertain Significance.

CeGaT Center for Human Genetics Tuebingen
Classification: Likely benign. Last evaluated: 2023-12-01. Review status: criteria provided, single submitter. Criteria: CeGaT Center For Human Genetics Tuebingen Variant Classification Criteria Version 2. Collection method: clinical testing. Allele origin: germline. Affected: yes. Observed: 1 variant allele.
Comment: BICD2: BP4

Mendelics
Classification: Benign for Autosomal dominant childhood-onset proximal spinal muscular atrophy with contractures. Last evaluated: 2019-05-28. Review status: criteria provided, single submitter. Criteria: Mendelics Assertion Criteria 2017. Collection method: clinical testing. Allele origin: unknown.

Inherited Neuropathy Consortium
Classification: Uncertain significance for Charcot-Marie-Tooth disease. Review status: no assertion criteria provided. Collection method: literature only. Allele origin: germline. Affected: yes. Not counted in ClinVar's aggregate classification.

Northcott Neuroscience Laboratory, ANZAC Research Institute
Classification: Likely benign. Review status: no assertion criteria provided. Collection method: not provided. Allele origin: germline. Not counted in ClinVar's aggregate classification.
Comment: Family R
ClinVar note: Converted during submission from probable-non-pathogenic to Likely benign.

Literature cited by the submitters: PubMed 25802885 (cited by Labcorp Genetics (formerly Invitae), Labcorp and Inherited Neuropathy Consortium).